The following is an entry in ClinVar:

ClinVar aggregate classification (germline): Uncertain significance. Review status: criteria provided, multiple submitters, no conflicts (2 of 4 stars). 2 submissions from 2 submitters: Uncertain significance (2). Last evaluated 2023-05-22.

Conditions:
Polyps, multiple and recurrent inflammatory fibroid, gastrointestinal. Identifiers: MedGen C5193005, MONDO:0008285, OMIM 175510.
Gastrointestinal stromal tumor. Also called: Gastrointestinal stromal tumor, somatic; Gastrointestinal stroma tumor. Identifiers: Orphanet 44890, MedGen C0238198, MeSH D046152, MONDO:0011719, OMIM 606764, HP:0100723.

Allele frequency attached by ClinVar (database versions not stated): ExAC 0.00001.
gnomAD v4.1: 1 of 1,612,810 alleles (0.000062%); no homozygotes.

Submissions (2):

Baylor Genetics
Classification: Uncertain significance for Polyps, multiple and recurrent inflammatory fibroid, gastrointestinal. Last evaluated: 2023-05-22. Review status: criteria provided, single submitter. Criteria: ACMG Guidelines, 2015. Collection method: clinical testing. Allele origin: unknown.

Labcorp Genetics (formerly Invitae), Labcorp
Classification: Uncertain significance for Gastrointestinal stromal tumor. Last evaluated: 2023-04-06. Review status: criteria provided, single submitter. Criteria: Invitae Variant Classification Sherloc (09022015). Collection method: clinical testing. Allele origin: germline.
Comment: This sequence change replaces methionine, which is neutral and non-polar, with isoleucine, which is neutral and non-polar, at codon 745 of the PDGFRA protein (p.Met745Ile). The frequency data for this variant in the population databases is considered unreliable, as metrics indicate poor data quality at this position in the gnomAD database. This variant has not been reported in the literature in individuals affected with PDGFRA-related conditions. Advanced modeling of protein sequence and biophysical properties (such as structural, functional, and spatial information, amino acid conservation, physicochemical variation, residue mobility, and thermodynamic stability) has been performed at Invitae for this missense variant, however the output from this modeling did not meet the statistical confidence thresholds required to predict the impact of this variant on PDGFRA protein function. In summary, the available evidence is currently insufficient to determine the role of this variant in disease. Therefore, it has been classified as a Variant of Uncertain Significance.

NM_006206.6(PDGFRA):c.2235G>T (p.Met745Ile)

Gene: PDGFRA (platelet derived growth factor receptor alpha; plus strand). Cytogenetic location: 4q12.
Variant type: single nucleotide variant.
Coding change: c.2235G>T on transcript NM_006206.6 (MANE Select); coding-DNA position 2235, G replaced by T.
Protein change: p.Met745Ile; replaces methionine 745 with isoleucine.
Molecular consequence: missense variant.
Genome position (GRCh38, 1-based): chr4:54,280,394, G>T. VCF-style: chr4-54280394-G-T. GRCh37 (hg19) VCF-style: chr4-55146561-G-T.
Other names: c.2235G>T, p.Met745Ile (NM_001347827.2, NM_001347829.2); c.2310G>T, p.Met770Ile (NM_001347828.2); c.2274G>T, p.Met758Ile (NM_001347830.2); short protein forms M745I, M758I, M770I.
Identifiers: ClinVar variation 2677593 (VCV002677593.4), dbSNP rs763727620, ClinGen allele CA2922793.